The following is an entry in ClinVar:

NM_177965.4(CFAP418):c.88C>G (p.Pro30Ala)

Genes: CFAP418 (cilia and flagella associated protein 418; minus strand), CFAP418-AS1 (CFAP418 antisense RNA 1; plus strand), LOC130000784 (ATAC-STARR-seq lymphoblastoid active region 27655; plus strand). Cytogenetic location: 8q22.1.
Variant type: single nucleotide variant.
Coding change: c.88C>G on transcript NM_177965.4 (MANE Select); coding-DNA position 88, C replaced by G.
Protein change: p.Pro30Ala; replaces proline 30 with alanine.
Molecular consequence: missense variant.
Genome position (GRCh38, 1-based): chr8:95,269,102, G>C on the plus strand (C>G on the coding strand, the complement: CFAP418 is on the minus strand). VCF-style: chr8-95269102-G-C. GRCh37 (hg19) VCF-style: chr8-96281330-G-C.
Other names: c.88C>G, p.Pro30Ala (NM_001363260.1); short protein forms P30A.
Identifiers: ClinVar variation 963040 (VCV000963040.9), dbSNP rs1812100151, ClinGen allele CA371837867.

ClinVar aggregate classification (germline): Uncertain significance (1 of 4 stars; one submission).

Submission:

Labcorp Genetics (formerly Invitae), Labcorp
Classification: Uncertain significance. Last evaluated: 2025-04-17. Review status: criteria provided, single submitter. Criteria: Invitae Variant Classification Sherloc (09022015). Collection method: clinical testing. Allele origin: germline.
Comment: This sequence change replaces proline, which is neutral and non-polar, with alanine, which is neutral and non-polar, at codon 30 of the C8orf37 protein (p.Pro30Ala). This variant is not present in population databases (gnomAD no frequency). This variant has not been reported in the literature in individuals affected with C8orf37-related conditions. ClinVar contains an entry for this variant (Variation ID: 963040). An algorithm developed to predict the effect of missense changes on protein structure and function (PolyPhen-2) suggests that this variant is likely to be disruptive. In summary, the available evidence is currently insufficient to determine the role of this variant in disease. Therefore, it has been classified as a Variant of Uncertain Significance.